The following is an entry in ClinVar:

NM_000135.4(FANCA):c.709+2T>A

Gene: FANCA (FA complementation group A; minus strand). Cytogenetic location: 16q24.3.
Variant type: single nucleotide variant.
Coding change: c.709+2T>A on transcript NM_000135.4 (MANE Select); the canonical splice donor site of the intron after coding-DNA position 709, T replaced by A.
Molecular consequence: splice donor variant.
Genome position (GRCh38, 1-based): chr16:89,805,278, A>T on the plus strand (T>A on the coding strand, the complement: FANCA is on the minus strand). VCF-style: chr16-89805278-A-T. GRCh37 (hg19) VCF-style: chr16-89871686-A-T.
Other names: c.709+2T>A (NM_001286167.3, NM_001018112.3); c.613+2T>A (NM_001351830.2).
Identifiers: ClinVar variation 5004589 (VCV005004589.1).

ClinVar aggregate classification (germline): Likely pathogenic (1 of 4 stars; one submission).

Conditions:
Fanconi anemia complementation group A (FANCA). Also called: FANCA-Related Fanconi Anemia; Fanconi anemia, group A. Identifiers: Orphanet 84, MedGen C3469521, MONDO:0009215, OMIM 227650.

Submission:

Myriad Genetics, Inc.
Classification: Likely pathogenic for Fanconi anemia complementation group A. Last evaluated: 2026-04-09. Review status: criteria provided, single submitter. Criteria: Myriad Autosomal Dominant, Autosomal Recessive and X-Linked Classification Criteria (2023). Collection method: clinical testing. Allele origin: unknown.
Comment: NM_000135.2(FANCA):c.709+2T>A is a variant in a canonical splice site classified as likely pathogenic in the context of Fanconi anemia complementation group A. c.709+2T>A has not been observed in cases with relevant disease. Relevant functional assessments of this variant are not available in the literature. c.709+2T>A has not been observed in referenced population frequency databases. In summary, NM_000135.2(FANCA):c.709+2T>A is a variant in a canonical splice site in a gene where loss of function is a known mechanism of disease and is predicted to disrupt protein function. Please note: this variant was assessed in the context of healthy population screening.